The following is an entry in ClinVar:

NM_005269.3(GLI1):c.1485T>C (p.Leu495=)

Gene: GLI1 (GLI family zinc finger 1; plus strand). Cytogenetic location: 12q13.3.
Variant type: single nucleotide variant.
Coding change: c.1485T>C on transcript NM_005269.3 (MANE Select); coding-DNA position 1485, T replaced by C.
Protein change: p.Leu495=; no amino-acid change (leucine 495 retained).
Molecular consequence: synonymous variant.
Genome position (GRCh38, 1-based): chr12:57,469,607, T>C. VCF-style: chr12-57469607-T-C. GRCh37 (hg19) VCF-style: chr12-57863390-T-C.
Other names: c.1101T>C, p.Leu367= (NM_001160045.2); c.1362T>C, p.Leu454= (NM_001167609.2).
Identifiers: ClinVar variation 799477 (VCV000799477.5), dbSNP rs201902084, ClinGen allele CA6648794.

ClinVar aggregate classification (germline): Likely benign. Review status: criteria provided, single submitter (1 of 4 stars). 2 submissions from 2 submitters: Likely benign (1). 1 of the submissions does not count toward it. Last evaluated 2018-12-28.

Conditions:
GLI1-related disorder. Also called: GLI1-related condition.

Allele frequency attached by ClinVar (database versions not stated): gnomAD exomes 0.00002 and 0.00010; gnomAD 0.00004 and 0.00005; TOPMed 0.00005; ExAC 0.00007; 1000 Genomes Project 0.00060; 1000 Genomes Project 30x 0.00062.
gnomAD v4.1: 47 of 1,614,138 alleles (0.0029%); highest among the groups gnomAD compares: East Asian, 0.069%; no homozygotes.

Submissions (2):

Labcorp Genetics (formerly Invitae), Labcorp
Classification: Likely benign. Last evaluated: 2018-12-28. Review status: criteria provided, single submitter. Criteria: Invitae Variant Classification Sherloc (09022015). Collection method: clinical testing. Allele origin: germline.

PreventionGenetics, part of Exact Sciences
Classification: Likely benign for GLI1-related condition. Last evaluated: 2019-03-27. Review status: no assertion criteria provided. Collection method: clinical testing. Allele origin: germline. Not counted in ClinVar's aggregate classification.
Comment: This variant is classified as likely benign based on ACMG/AMP sequence variant interpretation guidelines (Richards et al. 2015 PMID: 25741868, with internal and published modifications).